The following is an entry in ClinVar:

ClinVar aggregate classification (germline): Conflicting classifications of pathogenicity. Review status: criteria provided, conflicting classifications (1 of 4 stars). 3 submissions from 3 submitters: Likely pathogenic (2); Uncertain significance (1). Last evaluated 2024-11-06.

Conditions:
Intellectual developmental disorder, X-linked, syndromic, Turner type. Also called: Intellectual disability, X-linked syndromic, Turner type; X-linked intellectual disability, Turner type. Identifiers: Orphanet 3056, Orphanet 85328, MedGen C2678046, MONDO:0010407, OMIM 309590.

Submissions (3):

GeneDx
Classification: Uncertain significance. Last evaluated: 2024-11-06. Review status: criteria provided, single submitter. Criteria: GeneDx Variant Classification Process June 2021. Collection method: clinical testing. Allele origin: germline. Affected: yes.
Comment: Not observed at significant frequency in large population cohorts (gnomAD); In silico analysis supports that this missense variant has a deleterious effect on protein structure/function; This variant is associated with the following publications: (PMID: 32336296, 29180823, 36111624)

Labcorp Genetics (formerly Invitae), Labcorp
Classification: Likely pathogenic. Last evaluated: 2022-08-06. Review status: criteria provided, single submitter. Criteria: Invitae Variant Classification Sherloc (09022015). Collection method: clinical testing. Allele origin: germline.
Comment: ClinVar contains an entry for this variant (Variation ID: 375724). This missense change has been observed in individuals with X-linked intellectual disability (PMID: 29180823; Invitae). This variant is not present in population databases (gnomAD no frequency). This sequence change replaces lysine, which is basic and polar, with asparagine, which is neutral and polar, at codon 4295 of the HUWE1 protein (p.Lys4295Asn). Advanced modeling of protein sequence and biophysical properties (such as structural, functional, and spatial information, amino acid conservation, physicochemical variation, residue mobility, and thermodynamic stability) performed at Invitae indicates that this missense variant is expected to disrupt HUWE1 protein function. In summary, the currently available evidence indicates that the variant is pathogenic, but additional data are needed to prove that conclusively. Therefore, this variant has been classified as Likely Pathogenic.

Center for Medical Genetics and Molecular Medicine, Haukeland University Hospital
Classification: Likely pathogenic for Intellectual developmental disorder, X-linked, syndromic, Turner type. Last evaluated: 2017-01-18. Review status: criteria provided, single submitter. Criteria: ACMG Guidelines, 2015. Collection method: clinical testing. Allele origin: maternal. Inheritance: X-linked inheritance. Affected: no. Observed: 2 variant alleles. Segregation with disease observed.
Comment: ACMG evidence: PM(2), PP(4)

Literature cited by the submitters: PubMed 29180823 (cited by Labcorp Genetics (formerly Invitae), Labcorp).

NM_031407.7(HUWE1):c.12885G>C (p.Lys4295Asn)

Gene: HUWE1 (HECT, UBA and WWE domain containing E3 ubiquitin protein ligase 1; minus strand). Cytogenetic location: Xp11.22.
Variant type: single nucleotide variant.
Coding change: c.12885G>C on transcript NM_031407.7 (MANE Select); coding-DNA position 12885, G replaced by C.
Protein change: p.Lys4295Asn; replaces lysine 4295 with asparagine.
Molecular consequence: missense variant.
Genome position (GRCh38, 1-based): chrX:53,534,144, C>G on the plus strand (G>C on the coding strand, the complement: HUWE1 is on the minus strand). VCF-style: chrX-53534144-C-G. GRCh37 (hg19) VCF-style: chrX-53561105-C-G.
Other names: short protein forms K4295N.
Identifiers: ClinVar variation 375724 (VCV000375724.10), dbSNP rs1325394060, ClinGen allele CA413144882.